The following is an entry in ClinVar:

NM_001367624.2(ZNF469):c.586T>G (p.Tyr196Asp)

Gene: ZNF469 (zinc finger protein 469; plus strand). Cytogenetic location: 16q24.2.
Variant type: single nucleotide variant.
Coding change: c.586T>G on transcript NM_001367624.2 (MANE Select); coding-DNA position 586, T replaced by G.
Protein change: p.Tyr196Asp; replaces tyrosine 196 with aspartic acid.
Molecular consequence: missense variant.
Genome position (GRCh38, 1-based): chr16:88,428,056, T>G. VCF-style: chr16-88428056-T-G. GRCh37 (hg19) VCF-style: chr16-88494464-T-G.
Other names: NM_001127464.1:c.586T>G; short protein forms Y196D.
Identifiers: ClinVar variation 2564261 (VCV002564261.2), dbSNP rs1280329808, ClinGen allele CA397060924.
Genomic context (GRCh38, chr16:88,428,056, plus strand): 5'-GAAGAGCTTGGCTTCCACAGGTGCTTCCAGGAGCCACCCTCCAGCTTTACCTCCACCAAC[T>G]ATACCTCACCAAGCGCCACCCCCAGGCCCCCAGCCCCGGGGCCCCCCCAGAGCAGGGGCA-3'
Protein context (NP_001354553.1, residues 186-206): EPPSSFTSTN[Tyr196Asp]TSPSATPRPP

ClinVar aggregate classification (germline): Uncertain significance (1 of 4 stars; one submission).

Conditions:
Cardiovascular phenotype. Identifiers: MedGen CN230736.

Allele frequency attached by ClinVar (database versions not stated): TOPMed below 0.00001.

Submission:

Ambry Genetics
Classification: Uncertain significance for Cardiovascular phenotype. Last evaluated: 2023-05-22. Review status: criteria provided, single submitter. Criteria: Ambry Variant Classification Scheme 2023. Collection method: clinical testing. Allele origin: germline.
Comment: The p.Y196D variant (also known as c.586T>G), located in coding exon 1 of the ZNF469 gene, results from a T to G substitution at nucleotide position 586. The tyrosine at codon 196 is replaced by aspartic acid, an amino acid with highly dissimilar properties. This amino acid position is conserved. In addition, this alteration is predicted to be tolerated by in silico analysis. Since supporting evidence is limited at this time, the clinical significance of this alteration remains unclear.